The following is an entry in ClinVar:

NM_006231.4(POLE):c.5060C>T (p.Ser1687Phe)

Gene: POLE (DNA polymerase epsilon, catalytic subunit; minus strand). Cytogenetic location: 12q24.33.
Variant type: single nucleotide variant.
Coding change: c.5060C>T on transcript NM_006231.4 (MANE Select); coding-DNA position 5060, C replaced by T.
Protein change: p.Ser1687Phe; replaces serine 1687 with phenylalanine.
Molecular consequence: missense variant.
Genome position (GRCh38, 1-based): chr12:132,642,290, G>A on the plus strand (C>T on the coding strand, the complement: POLE is on the minus strand). VCF-style: chr12-132642290-G-A. GRCh37 (hg19) VCF-style: chr12-133218876-G-A.
Other names: short protein forms S1687F.
Identifiers: ClinVar variation 644488 (VCV000644488.16), dbSNP rs1565936909, ClinGen allele CA387377082.

ClinVar aggregate classification (germline): Uncertain significance. Review status: criteria provided, multiple submitters, no conflicts (2 of 4 stars). 3 submissions from 3 submitters: Uncertain significance (3). Last evaluated 2025-03-14.

Conditions:
Familial colorectal cancer. Identifiers: MedGen CN280943, MONDO:0023113. Disease mechanism: loss of function.
Facial dysmorphism-immunodeficiency-livedo-short stature syndrome. Also called: Facial dysmorphism, immunodeficiency, livedo, and short stature; FILS syndrome. Identifiers: Orphanet 352712, MedGen C3554576, MONDO:0014058, OMIM 615139.
Hereditary cancer-predisposing syndrome. Also called: Neoplastic Syndromes, Hereditary; Tumor predisposition; Hereditary neoplastic syndrome; Hereditary Cancer Syndrome. Identifiers: Orphanet 140162, MedGen C0027672, MeSH D009386, MONDO:0015356.

Allele frequency attached by ClinVar (database versions not stated): gnomAD exomes 0.00001.

Submissions (3):

Ambry Genetics
Classification: Uncertain significance for Hereditary cancer-predisposing syndrome. Last evaluated: 2025-03-14. Review status: criteria provided, single submitter. Criteria: Ambry Variant Classification Scheme 2023. Collection method: clinical testing. Allele origin: germline.
Comment: The p.S1687F variant (also known as c.5060C>T), located in coding exon 38 of the POLE gene, results from a C to T substitution at nucleotide position 5060. The serine at codon 1687 is replaced by phenylalanine, an amino acid with highly dissimilar properties. This amino acid position is highly conserved in available vertebrate species. In addition, this alteration is predicted to be deleterious by in silico analysis. Based on the available evidence, the clinical significance of this variant remains unclear.

Labcorp Genetics (formerly Invitae), Labcorp
Classification: Uncertain significance. Last evaluated: 2024-07-25. Review status: criteria provided, single submitter. Criteria: Invitae Variant Classification Sherloc (09022015). Collection method: clinical testing. Allele origin: germline.
Comment: This sequence change replaces serine, which is neutral and polar, with phenylalanine, which is neutral and non-polar, at codon 1687 of the POLE protein (p.Ser1687Phe). This variant is not present in population databases (gnomAD no frequency). This variant has not been reported in the literature in individuals affected with POLE-related conditions. ClinVar contains an entry for this variant (Variation ID: 644488). Advanced modeling of protein sequence and biophysical properties (such as structural, functional, and spatial information, amino acid conservation, physicochemical variation, residue mobility, and thermodynamic stability) performed at Invitae indicates that this missense variant is expected to disrupt POLE protein function with a positive predictive value of 80%. In summary, the available evidence is currently insufficient to determine the role of this variant in disease. Therefore, it has been classified as a Variant of Uncertain Significance.

GeneDx
Classification: Uncertain significance. Last evaluated: 2019-08-28. Review status: criteria provided, single submitter. Criteria: GeneDx Variant Classification Process June 2021. Collection method: clinical testing. Allele origin: germline. Affected: yes.
Comment: Not observed in large population cohorts (Lek 2016); In silico analysis, which includes protein predictors and evolutionary conservation, supports a deleterious effect; Has not been previously published as pathogenic or benign to our knowledge